The following is an entry in ClinVar:

ClinVar aggregate classification (germline): Uncertain significance (1 of 4 stars; one submission).

Conditions:
Arrhythmogenic right ventricular dysplasia 9 (ARVD9). Also called: ARRHYTHMOGENIC RIGHT VENTRICULAR DYSPLASIA, FAMILIAL, 9; Arrhythmogenic Right Ventricular Dysplasia/Cardiomyopathy 9. Identifiers: MedGen C1836906, MONDO:0012180, OMIM 609040.

Allele frequency attached by ClinVar (database versions not stated): gnomAD exomes below 0.00001.
gnomAD v4.1: 1 of 1,614,100 alleles (0.000062%); highest among the groups gnomAD compares: Admixed American, 0.0017%; no homozygotes.

Submission:

Labcorp Genetics (formerly Invitae), Labcorp
Classification: Uncertain significance for Arrhythmogenic right ventricular dysplasia 9. Last evaluated: 2019-12-05. Review status: criteria provided, single submitter. Criteria: Invitae Variant Classification Sherloc (09022015). Collection method: clinical testing. Allele origin: germline.
Comment: This sequence change replaces glycine with glutamic acid at codon 269 of the PKP2 protein (p.Gly269Glu). The glycine residue is weakly conserved and there is a moderate physicochemical difference between glycine and glutamic acid. This variant is not present in population databases (ExAC no frequency). This variant has not been reported in the literature in individuals with PKP2-related conditions. Algorithms developed to predict the effect of missense changes on protein structure and function are either unavailable or do not agree on the potential impact of this missense change (SIFT: "Tolerated"; PolyPhen-2: "Probably Damaging"; Align-GVGD: "Class C0"). In summary, the available evidence is currently insufficient to determine the role of this variant in disease. Therefore, it has been classified as a Variant of Uncertain Significance.

NM_001005242.3(PKP2):c.806G>A (p.Gly269Glu)

Gene: PKP2 (plakophilin 2; minus strand). Cytogenetic location: 12p11.21.
Variant type: single nucleotide variant.
Coding change: c.806G>A on transcript NM_001005242.3 (MANE Select); coding-DNA position 806, G replaced by A.
Protein change: p.Gly269Glu; replaces glycine 269 with glutamic acid.
Molecular consequence: missense variant.
Genome position (GRCh38, 1-based): chr12:32,878,074, C>T on the plus strand (G>A on the coding strand, the complement: PKP2 is on the minus strand). VCF-style: chr12-32878074-C-T. GRCh37 (hg19) VCF-style: chr12-33031008-C-T.
Other names: c.806G>A, p.Gly269Glu (NM_004572.4); short protein forms G269E.
Identifiers: ClinVar variation 836297 (VCV000836297.9), dbSNP rs1341619257, ClinGen allele CA384362399.
Genomic context (GRCh38, chr12:32,878,074, plus strand): 5'-GAGGACCTGGAAGCCCTGTTCTGAGTGACGGGCTGCAGGGGCACCAGCGGCCTGACCTGC[C>T]CGACAGTGAGCCCTGCCGTCAGGTAGTTCTCCTTCTCCAAGAGGTTGCCCATGCTGCGGC-3'
Protein context (NP_001005242.2, residues 259-279): ENYLTAGLTV[Gly269Glu]QVRPLVPLQP